The following is an entry in ClinVar:

NC_000005.9:g.(?_160721088)_(161580374_?)del

Genes: GABRA1 (gamma-aminobutyric acid type A receptor subunit alpha1; plus strand), GABRA6 (gamma-aminobutyric acid type A receptor subunit alpha6; plus strand), GABRB2 (gamma-aminobutyric acid type A receptor subunit beta2; minus strand), GABRG2 (gamma-aminobutyric acid type A receptor subunit gamma2; plus strand). Cytogenetic location: 5q34.
Variant type: Deletion.
Identifiers: ClinVar variation 3246335 (VCV003246335.1).

ClinVar aggregate classification (germline): Uncertain significance (1 of 4 stars; one submission).

Conditions:
Intellectual disability. Also called: Intellectual functioning disability; Intellectual developmental disorder; intellectual disabilities. Identifiers: MedGen C3714756, MeSH D008607, MONDO:0001071, HP:0001249.

Submission:

Labcorp Genetics (formerly Invitae), Labcorp
Classification: Uncertain significance for Intellectual disability. Last evaluated: 2022-11-26. Review status: criteria provided, single submitter. Criteria: Invitae Variant Classification Sherloc (09022015). Collection method: clinical testing. Allele origin: unknown.
Comment: In summary, the available evidence is currently insufficient to determine the role of this variant in disease. Therefore, it has been classified as a Variant of Uncertain Significance. This variant has not been reported in the literature in individuals affected with GABRB2-related conditions. A gross deletion of the genomic region encompassing the full coding sequence of the GABRB2 gene has been identified. The current clinical and genetic evidence is not sufficient to establish whether loss-of-function variants in GABRB2 cause disease. The boundaries of this event are unknown as they extend beyond the assayed region for this gene and therefore may encompass additional genes.